The following is an entry in ClinVar:

NM_001100913.3(PACS2):c.2226G>A (p.Pro742=)

Gene: PACS2 (phosphofurin acidic cluster sorting protein 2; plus strand). Cytogenetic location: 14q32.33.
Variant type: single nucleotide variant.
Coding change: c.2226G>A on transcript NM_001100913.3 (MANE Select); coding-DNA position 2226, G replaced by A.
Protein change: p.Pro742=; no amino-acid change (proline 742 retained).
Molecular consequence: synonymous variant.
Genome position (GRCh38, 1-based): chr14:105,391,737, G>A. VCF-style: chr14-105391737-G-A. GRCh37 (hg19) VCF-style: chr14-105858074-G-A.
Other names: c.1956G>A, p.Pro652= (NM_001243127.3); c.2181G>A, p.Pro727= (NM_015197.4).
Identifiers: ClinVar variation 2419313 (VCV002419313.29), dbSNP rs1429229594, ClinGen allele CA488205858.

ClinVar aggregate classification (germline): Likely benign. Review status: criteria provided, multiple submitters, no conflicts (2 of 4 stars). 2 submissions from 2 submitters: Likely benign (2). Last evaluated 2026-01-11.

Allele frequency attached by ClinVar (database versions not stated): gnomAD 0.00001; TOPMed 0.00001.
gnomAD v4.1: 21 of 1,595,714 alleles (0.0013%); highest among the groups gnomAD compares: South Asian, 0.0057%; no homozygotes.

Submissions (2):

Labcorp Genetics (formerly Invitae), Labcorp
Classification: Likely benign. Last evaluated: 2026-01-11. Review status: criteria provided, single submitter. Criteria: Invitae Variant Classification Sherloc (09022015). Collection method: clinical testing. Allele origin: germline.

CeGaT Center for Human Genetics Tuebingen
Classification: Likely benign. Last evaluated: 2023-12-01. Review status: criteria provided, single submitter. Criteria: CeGaT Center For Human Genetics Tuebingen Variant Classification Criteria Version 2. Collection method: clinical testing. Allele origin: germline. Affected: yes. Observed: 1 variant allele.
Comment: PACS2: BP4, BP7